The following is an entry in ClinVar:

ClinVar aggregate classification (germline): Uncertain significance (1 of 4 stars; one submission).

gnomAD v4.1: 2 of 1,614,134 alleles (0.00012%); highest among the groups gnomAD compares: African/African-American, 0.0013%; no homozygotes.

Submission:

GeneDx
Classification: Uncertain significance. Last evaluated: 2026-02-04. Review status: criteria provided, single submitter. Criteria: GeneDx Variant Classification Process June 2021. Collection method: clinical testing. Allele origin: germline.
Comment: Not observed at significant frequency in large population cohorts (gnomAD); In silico analysis suggests that this missense variant does not alter protein structure/function; Has not been previously published as pathogenic or benign to our knowledge

NM_001042681.2(RERE):c.1570G>A (p.Glu524Lys)

Gene: RERE (arginine-glutamic acid dipeptide repeats; minus strand). Cytogenetic location: 1p36.23.
Variant type: single nucleotide variant.
Coding change: c.1570G>A on transcript NM_001042681.2 (MANE Select); coding-DNA position 1570, G replaced by A.
Protein change: p.Glu524Lys; replaces glutamic acid 524 with lysine.
Molecular consequence: missense variant. On other transcripts: 5 prime UTR variant (1).
Genome position (GRCh38, 1-based): chr1:8,364,226, C>T on the plus strand (G>A on the coding strand, the complement: RERE is on the minus strand). VCF-style: chr1-8364226-C-T. GRCh37 (hg19) VCF-style: chr1-8424286-C-T.
Other names: c.-93G>A (NM_001042682.2); c.1570G>A, p.Glu524Lys (NM_012102.4); short protein forms E524K.
Identifiers: ClinVar variation 4975563 (VCV004975563.1).
Genomic context (GRCh38, chr1:8,364,226, plus strand): 5'-GCGGGAGCTCACCGTATTTCTTGAAGTGGATGCGACAGTCGGTGCAAAGCAGGATGTTCT[C>T]CCGGCCTCCGTGGTGCCAATCTTTGGAGGCTGTGTGAGGGAAGTGGTGGGGGCCAACCTT-3'
Protein context (NP_001036146.1, residues 514-534): TSKDWHHGGR[Glu524Lys]NILLCTDCRI